The following is an entry in ClinVar:

NM_000310.4(PPT1):c.18_21del (p.Leu7fs)

Gene: PPT1 (palmitoyl-protein thioesterase 1; minus strand). Cytogenetic location: 1p34.2.
Variant type: Deletion.
Coding change: c.18_21del on transcript NM_000310.4 (MANE Select); coding-DNA positions 18 to 21, 4 bases deleted (CCTG; older notation c.18_21delCCTG).
Protein change: p.Leu7fs; shifts the reading frame from leucine 7.
Molecular consequence: frameshift variant.
Genome position (GRCh38, 1-based): chr1:40,097,218-40,097,221, CAGG deleted on the plus strand (CCTG on the coding strand, the reverse complement: PPT1 is on the minus strand); deleting any 4 consecutive bases within chr1:40,097,218-40,097,224 gives the same sequence; the c. name uses the placement nearest the transcript's 3' end. VCF-style (leftmost placement, unchanged base first): chr1-40097217-ACAGG-A. GRCh37 (hg19) VCF-style: chr1-40562889-ACAGG-A.
Other names: c.18_21del, p.Leu7fs (NM_001142604.2, NM_001363695.2); c.18_21delCCTG (NM_000310.3); short protein forms L7fs.
Identifiers: ClinVar variation 551901 (VCV000551901.3), dbSNP rs1553167863, ClinGen allele CA658821014.
Genomic context (GRCh38, chr1:40,097,217, plus strand): 5'-CCAGATGCTGCAGCGCCCGAGAAGCGCAGGTCCATGGCAGGAGAGCCACAGCCAAGAGCC[ACAGG>A]CAGCCGGGCGACGCCATCTTCGCTGTGTCACATGACCGCGGGCGCGAGACTCCGGGAACC-3'

ClinVar aggregate classification (germline): Likely pathogenic. Review status: criteria provided, single submitter (1 of 4 stars). 2 submissions from 2 submitters: Likely pathogenic (1). 1 of the submissions does not count toward it. Last evaluated 2023-04-20.

Conditions:
Neuronal ceroid lipofuscinosis 1 (CLN1). Also called: CEROID LIPOFUSCINOSIS, NEURONAL, 1, VARIABLE AGE AT ONSET; PPT1-Related Neuronal Ceroid-Lipofuscinosis. Identifiers: Orphanet 228329, MedGen C1850451, MONDO:0009744, OMIM 256730.
PPT1-related disorder. Also called: PPT1-related condition.

Submissions (2):

PreventionGenetics, part of Exact Sciences
Classification: Likely pathogenic for PPT1-related condition. Last evaluated: 2023-04-20. Review status: criteria provided, single submitter. Criteria: ACMG Guidelines, 2015. Collection method: clinical testing. Allele origin: germline.
Comment: The PPT1 c.18_21delCCTG variant is predicted to result in a frameshift and premature protein termination (p.Leu7Glyfs*29). To our knowledge, this variant has not been reported in the literature or in a large population database, indicating this variant is rare. Premature termination variants neighboring the 7th amino acid of PPT1 have been associated with disease (p.Cys6Trpfs*25, Santorelli et al. 2013. PubMed ID: 23374165; p.Leu10*, Mitchison et al. 1998. PubMed ID: 9425237). Frameshift variants in PPT1 are expected to be pathogenic. This variant is interpreted as likely pathogenic.

Counsyl
Classification: Likely pathogenic for Neuronal ceroid lipofuscinosis 1. Last evaluated: 2017-05-16. Review status: no assertion criteria provided. Collection method: clinical testing. Allele origin: unknown. Not counted in ClinVar's aggregate classification.